The following is an entry in ClinVar:

ClinVar aggregate classification (germline): Uncertain significance (1 of 4 stars; one submission).

Conditions:
Emery-Dreifuss muscular dystrophy (EDMD). Also called: Scapuloperoneal syndrome, X-linked (formerly); Humeroperoneal neuromuscular disease, (formerly). Identifiers: Orphanet 261, MedGen C0410189, MONDO:0016830.

Allele frequency attached by ClinVar (database versions not stated): TOPMed below 0.00001; gnomAD 0.00001; gnomAD exomes 0.00001.
gnomAD v4.1: 10 of 1,614,004 alleles (0.00062%); highest among the groups gnomAD compares: Non-Finnish European, 0.00076%; no homozygotes.

Submission:

Labcorp Genetics (formerly Invitae), Labcorp
Classification: Uncertain significance for Emery-Dreifuss muscular dystrophy. Last evaluated: 2023-08-04. Review status: criteria provided, single submitter. Criteria: Invitae Variant Classification Sherloc (09022015). Collection method: clinical testing. Allele origin: germline.
Comment: This variant has not been reported in the literature in individuals affected with SUN2-related conditions. This variant is not present in population databases (gnomAD no frequency). This sequence change replaces proline, which is neutral and non-polar, with leucine, which is neutral and non-polar, at codon 243 of the SUN2 protein (p.Pro243Leu). ClinVar contains an entry for this variant (Variation ID: 957975). In summary, the available evidence is currently insufficient to determine the role of this variant in disease. Therefore, it has been classified as a Variant of Uncertain Significance. An algorithm developed to predict the effect of missense changes on protein structure and function (PolyPhen-2) suggests that this variant is likely to be tolerated.

NM_015374.3(SUN2):c.728C>T (p.Pro243Leu)

Gene: SUN2 (Sad1 and UNC84 domain containing 2; minus strand). Cytogenetic location: 22q13.1.
Variant type: single nucleotide variant.
Coding change: c.728C>T on transcript NM_015374.3 (MANE Select); coding-DNA position 728, C replaced by T.
Protein change: p.Pro243Leu; replaces proline 243 with leucine.
Molecular consequence: missense variant.
Genome position (GRCh38, 1-based): chr22:38,745,769, G>A on the plus strand (C>T on the coding strand, the complement: SUN2 is on the minus strand). VCF-style: chr22-38745769-G-A. GRCh37 (hg19) VCF-style: chr22-39141774-G-A.
Other names: c.791C>T, p.Pro264Leu (NM_001199579.2); c.728C>T, p.Pro243Leu (NM_001199580.2); short protein forms P243L, P264L.
Identifiers: ClinVar variation 957975 (VCV000957975.9), dbSNP rs2092899305, ClinGen allele CA411585852.
Genomic context (GRCh38, chr22:38,745,769, plus strand): 5'-GCTTCCCAGCCCTCATCCGGCCTCCTGCTGTCCTTCGCTGCCCACCAGGAAACCAAAGCA[G>A]GGTGGAATGTCTGCAGCCCATAGGGGTAGAAATACCAAGCACCTGTGCACAGGGGAGAGG-3'
Protein context (NP_056189.1, residues 233-253): FYPYGLQTFH[Pro243Leu]ALVSWWAAKD